The following is an entry in ClinVar:

ClinVar aggregate classification (germline): Uncertain significance. Review status: criteria provided, multiple submitters, no conflicts (2 of 4 stars). 2 submissions from 2 submitters: Uncertain significance (2). Last evaluated 2023-01-18.

Conditions:
Epidermolysis bullosa simplex 5B, with muscular dystrophy (EBS5B). Also called: EPIDERMOLYSIS BULLOSA SIMPLEX AND LIMB-GIRDLE MUSCULAR DYSTROPHY; Epidermolysis bullosa simplex with muscular dystrophy. Identifiers: Orphanet 257, MedGen C2931072, MONDO:0009181, OMIM 226670.
Epidermolysis bullosa simplex, Ogna type (EBS5A). Also called: Pidermolysis bullosa simplex 5A, Ogna type; EPIDERMOLYSIS BULLOSA SIMPLEX 5A, OGNA TYPE. Identifiers: Orphanet 79401, MedGen C0432317, MONDO:0007555, OMIM 131950.
Autosomal recessive limb-girdle muscular dystrophy type 2Q (LGMDR17). Also called: MUSCULAR DYSTROPHY, LIMB-GIRDLE, AUTOSOMAL RECESSIVE 17. Identifiers: Orphanet 254361, MedGen C3150989, MONDO:0013390, OMIM 613723.
Epidermolysis bullosa simplex 5C, with pyloric atresia (EBS5C). Also called: Epidermolysis bullosa simplex with pyloric atresia; PLEC1-Related Epidermolysis Bullosa with Pyloric Atresia; PLEC-Related Epidermolysis Bullosa with Pyloric Atresia. Identifiers: Orphanet 158684, MedGen C2677349, MONDO:0012807, OMIM 612138.
Epidermolysis bullosa simplex with nail dystrophy (EBS5D). Identifiers: MedGen C4225309, MONDO:0014661, OMIM 616487.

Allele frequency attached by ClinVar (database versions not stated): TOPMed below 0.00001.
gnomAD v4.1: 2 of 1,582,312 alleles (0.00013%); no homozygotes.

Submissions (2):

Labcorp Genetics (formerly Invitae), Labcorp
Classification: Uncertain significance for Autosomal recessive limb-girdle muscular dystrophy type 2Q; Epidermolysis bullosa simplex, Ogna type; Epidermolysis bullosa simplex with nail dystrophy; Epidermolysis bullosa simplex 5C, with pyloric atresia; Epidermolysis bullosa simplex 5B, with muscular dystrophy. Last evaluated: 2023-01-18. Review status: criteria provided, single submitter. Criteria: Invitae Variant Classification Sherloc (09022015). Collection method: clinical testing. Allele origin: germline.
Comment: ClinVar contains an entry for this variant (Variation ID: 497807). In summary, the available evidence is currently insufficient to determine the role of this variant in disease. Therefore, it has been classified as a Variant of Uncertain Significance. Advanced modeling of protein sequence and biophysical properties (such as structural, functional, and spatial information, amino acid conservation, physicochemical variation, residue mobility, and thermodynamic stability) performed at Invitae indicates that this missense variant is not expected to disrupt PLEC protein function. This variant has not been reported in the literature in individuals affected with PLEC-related conditions. This variant is not present in population databases (gnomAD no frequency). This sequence change replaces glutamic acid, which is acidic and polar, with lysine, which is basic and polar, at codon 1045 of the PLEC protein (p.Glu1045Lys).

Eurofins Ntd Llc (ga)
Classification: Uncertain significance. Last evaluated: 2016-10-17. Review status: criteria provided, single submitter. Criteria: EGL Classification Definitions 2015. Collection method: clinical testing. Allele origin: germline. Observed: 1 variant allele, 1 heterozygote.

NM_201384.3(PLEC):c.3052G>A (p.Glu1018Lys)

Gene: PLEC (plectin; minus strand). Cytogenetic location: 8q24.3.
Variant type: single nucleotide variant.
Coding change: c.3052G>A on transcript NM_201384.3 (MANE Select); coding-DNA position 3052, G replaced by A.
Protein change: p.Glu1018Lys; replaces glutamic acid 1018 with lysine.
Molecular consequence: missense variant.
Genome position (GRCh38, 1-based): chr8:143,929,443, C>T on the plus strand (G>A on the coding strand, the complement: PLEC is on the minus strand). VCF-style: chr8-143929443-C-T. GRCh37 (hg19) VCF-style: chr8-145003611-C-T.
Other names: c.3133G>A, p.Glu1045Lys (NM_000445.5); c.3010G>A, p.Glu1004Lys (NM_201378.4); c.2986G>A, p.Glu996Lys (NM_201379.3); c.3463G>A, p.Glu1155Lys (NM_201380.4); c.2956G>A, p.Glu986Lys (NM_201381.3); c.3052G>A, p.Glu1018Lys (NM_201382.4); c.3064G>A, p.Glu1022Lys (NM_201383.3); short protein forms E1004K, E1018K, E1022K, E1045K, E1155K, E986K, E996K.
Identifiers: ClinVar variation 497807 (VCV000497807.8), dbSNP rs1554710878, ClinGen allele CA372569551.
Genomic context (GRCh38, chr8:143,929,443, plus strand): 5'-ATGGGACTGGATGGGGGGGGACGGCCCCTGCCTGCTGCTCGGCGATGCGCTGGGCACACT[C>T]CCGTGCCGGCTCTTTGTCCAGCGGCAGCCGCAGGCGGTGCACGGTGCGCGTCTCACAGGC-3'
Protein context (NP_958786.1, residues 1008-1028): RLPLDKEPAR[Glu1018Lys]CAQRIAEQQK